The following is an entry in ClinVar:

ClinVar aggregate classification (germline): Uncertain significance (1 of 4 stars; one submission).

Conditions:
Cardiovascular phenotype. Identifiers: MedGen CN230736.

Submission:

Ambry Genetics
Classification: Uncertain significance for Cardiovascular phenotype. Last evaluated: 2026-07-06. Review status: criteria provided, single submitter. Criteria: Ambry Variant Classification Scheme 2023. Collection method: clinical testing. Allele origin: germline.
Comment: The p.H847Y variant (also known as c.2539C>T), located in coding exon 16 of the DSC2 gene, results from a C to T substitution at nucleotide position 2539. The histidine at codon 847 is replaced by tyrosine, an amino acid with similar properties. This amino acid position is conserved. In addition, this alteration is predicted to be tolerated by in silico analysis. Based on the available evidence, the clinical significance of this variant remains unclear.

NM_024422.6(DSC2):c.2539C>T (p.His847Tyr)

Gene: DSC2 (desmocollin 2; minus strand). Cytogenetic location: 18q12.1.
Variant type: single nucleotide variant.
Coding change: c.2539C>T on transcript NM_024422.6 (MANE Select); coding-DNA position 2539, C replaced by T.
Protein change: p.His847Tyr; replaces histidine 847 with tyrosine.
Molecular consequence: missense variant. On other transcripts: 3 prime UTR variant (2).
Genome position (GRCh38, 1-based): chr18:31,068,182, G>A on the plus strand (C>T on the coding strand, the complement: DSC2 is on the minus strand). VCF-style: chr18-31068182-G-A. GRCh37 (hg19) VCF-style: chr18-28648148-G-A.
Other names: c.2110C>T, p.His704Tyr (NM_001406506.1); c.*41C>T (NM_001406507.1, NM_004949.5); short protein forms H847Y, H704Y.
Identifiers: ClinVar variation 5035589 (VCV005035589.1).